The following is an entry in ClinVar:

ClinVar aggregate classification (germline): Likely benign (1 of 4 stars; one submission).

Conditions:
PKHD1-related disorder. Also called: PKHD1-related condition.

Submission:

PreventionGenetics, part of Exact Sciences
Classification: Likely benign for PKHD1-related condition. Last evaluated: 2025-12-14. Review status: criteria provided, single submitter. Criteria: ACMG Guidelines, 2015. Collection method: clinical testing. Allele origin: germline.
Comment: This variant is classified as likely benign based on ACMG/AMP sequence variant interpretation guidelines (Richards et al. 2015 PMID: 25741868, with internal and published modifications).

NM_138694.4(PKHD1):c.2211C>T (p.Ser737=)

Gene: PKHD1 (PKHD1 ciliary IPT domain containing fibrocystin/polyductin; minus strand). Cytogenetic location: 6p12.2.
Variant type: single nucleotide variant.
Coding change: c.2211C>T on transcript NM_138694.4 (MANE Select); coding-DNA position 2211, C replaced by T.
Protein change: p.Ser737=; no amino-acid change (serine 737 retained).
Molecular consequence: synonymous variant.
Genome position (GRCh38, 1-based): chr6:52,050,225, G>A on the plus strand (C>T on the coding strand, the complement: PKHD1 is on the minus strand). VCF-style: chr6-52050225-G-A. GRCh37 (hg19) VCF-style: chr6-51915023-G-A.
Other names: c.2211C>T, p.Ser737= (NM_170724.3).
Identifiers: ClinVar variation 4993658 (VCV004993658.1).